The following is an entry in ClinVar:

ClinVar aggregate classification (germline): Uncertain significance (1 of 4 stars; one submission).

Allele frequency attached by ClinVar (database versions not stated): gnomAD exomes below 0.00001; ExAC 0.00001.

Submission:

Ambry Genetics
Classification: Uncertain significance. Last evaluated: 2023-11-02. Review status: criteria provided, single submitter. Criteria: Ambry Variant Classification Scheme 2023. Collection method: clinical testing. Allele origin: germline.
Comment: The c.1227delC variant, located in coding exon 10 of the RECQL gene, results from a deletion of one nucleotide at nucleotide position 1227, causing a translational frameshift with a predicted alternate stop codon (p.D409Efs*2). This alteration is expected to result in loss of function by premature protein truncation or nonsense-mediated mRNA decay. The evidence for this gene-disease relationship is limited; therefore, the clinical significance of this alteration is unclear.

NM_002907.4(RECQL):c.1227del (p.Asp409fs)

Gene: RECQL (RecQ like helicase; minus strand). Cytogenetic location: 12p12.1.
Variant type: Deletion.
Coding change: c.1227del on transcript NM_002907.4 (MANE Select); coding-DNA position 1227, one base deleted (C; older notation c.1227delC).
Protein change: p.Asp409fs; shifts the reading frame from aspartic acid 409.
Molecular consequence: frameshift variant.
Genome position (GRCh38, 1-based): chr12:21,474,969, G deleted on the plus strand (C on the coding strand, the reverse complement: RECQL is on the minus strand). VCF-style (leftmost placement, unchanged base first): chr12-21474968-TG-T. GRCh37 (hg19) VCF-style: chr12-21627902-TG-T.
Other names: c.1227del, p.Asp409fs (NM_032941.3); short protein forms D409fs.
Identifiers: ClinVar variation 3222929 (VCV003222929.1), dbSNP rs778318762, ClinGen allele CA6478813.